The following is an entry in ClinVar:

ClinVar aggregate classification (germline): Uncertain significance (1 of 4 stars; one submission).

Conditions:
Familial cancer of breast. Also called: BREAST CANCER, FAMILIAL; Hereditary breast cancer; hereditary breast carcinoma. Identifiers: Orphanet 227535, MedGen C0346153, MONDO:0016419, OMIM 114480. Disease mechanism: loss of function.

Submission:

Labcorp Genetics (formerly Invitae), Labcorp
Classification: Uncertain significance for Familial cancer of breast. Last evaluated: 2024-10-07. Review status: criteria provided, single submitter. Criteria: Invitae Variant Classification Sherloc (09022015). Collection method: clinical testing. Allele origin: germline.
Comment: This sequence change falls in intron 13 of the CHEK2 gene. It does not directly change the encoded amino acid sequence of the CHEK2 protein. This variant is not present in population databases (gnomAD no frequency). This variant has not been reported in the literature in individuals affected with CHEK2-related conditions. This variant is also known as p.Gln487_Asp488dup. Experimental studies and prediction algorithms are not available or were not evaluated, and the effect of this variant on mRNA splicing is currently unknown. In summary, the available evidence is currently insufficient to determine the role of this variant in disease. Therefore, it has been classified as a Variant of Uncertain Significance.

NM_007194.4(CHEK2):c.1462-3_1464dup

Gene: CHEK2 (checkpoint kinase 2; minus strand). Cytogenetic location: 22q12.1.
Variant type: Duplication.
Coding change: c.1462-3_1464dup on transcript NM_007194.4 (MANE Select); 3 bases into the intron before coding-DNA position 1462 through coding-DNA position 1464, 6 bases duplicated (CAGGAT; older notation c.1462-3_1464dupCAGGAT).
Molecular consequence: splice acceptor variant.
Genome position (GRCh38, 1-based): chr22:28,689,213-28,689,218, ATCCTG duplicated on the plus strand (CAGGAT on the coding strand, the reverse complement: CHEK2 is on the minus strand). VCF-style (leftmost placement, unchanged base first): chr22-28689212-C-CATCCTG. GRCh37 (hg19) VCF-style: chr22-29085200-C-CATCCTG.
Other names: c.799-3_801dup (NM_001437942.1, NM_001257387.3); c.1261-3_1263dup (NM_001349956.3); c.1375-3_1377dup (NM_145862.3); c.1468-3_1470dup (NM_001438295.1); c.1555-3_1557dup (NM_001438293.1); c.1504-3_1506dup (NM_001438294.1); c.1591-3_1593dup (NM_001005735.3).
Identifiers: ClinVar variation 3722360 (VCV003722360.2).